The following is an entry in ClinVar:

ClinVar aggregate classification (germline): Uncertain significance (1 of 4 stars; one submission).

gnomAD v4.1: 2 of 1,613,854 alleles (0.00012%); highest among the groups gnomAD compares: Admixed American, 0.0017%; no homozygotes.

Submission:

Labcorp Genetics (formerly Invitae), Labcorp
Classification: Uncertain significance. Last evaluated: 2022-11-22. Review status: criteria provided, single submitter. Criteria: Invitae Variant Classification Sherloc (09022015). Collection method: clinical testing. Allele origin: germline.
Comment: In summary, the available evidence is currently insufficient to determine the role of this variant in disease. Therefore, it has been classified as a Variant of Uncertain Significance. Advanced modeling of protein sequence and biophysical properties (such as structural, functional, and spatial information, amino acid conservation, physicochemical variation, residue mobility, and thermodynamic stability) performed at Invitae indicates that this missense variant is not expected to disrupt OPA1 protein function. This variant has not been reported in the literature in individuals affected with OPA1-related conditions. This variant is present in population databases (no rsID available, gnomAD 0.0009%). This sequence change replaces phenylalanine, which is neutral and non-polar, with serine, which is neutral and polar, at codon 193 of the OPA1 protein (p.Phe193Ser).

NM_130837.3(OPA1):c.632T>C (p.Phe211Ser)

Genes: OPA1 (OPA1 mitochondrial dynamin like GTPase; plus strand), OPA1-AS1 (OPA1 antisense RNA 1; minus strand). Cytogenetic location: 3q29.
Variant type: single nucleotide variant.
Coding change: c.632T>C on transcript NM_130837.3 (MANE Select); coding-DNA position 632, T replaced by C.
Protein change: p.Phe211Ser; replaces phenylalanine 211 with serine.
Molecular consequence: missense variant. On other transcripts: non-coding transcript variant (1).
Genome position (GRCh38, 1-based): chr3:193,618,890, T>C. VCF-style: chr3-193618890-T-C. GRCh37 (hg19) VCF-style: chr3-193336679-T-C.
Other names: c.98T>C, p.Phe33Ser (NM_001354663.2); c.206T>C, p.Phe69Ser (NM_001354664.2); c.578T>C, p.Phe193Ser (NM_015560.3, NM_130836.3); c.470T>C, p.Phe157Ser (NM_130831.3, NM_130833.3); c.524T>C, p.Phe175Ser (NM_130832.3, NM_130835.3); c.632T>C, p.Phe211Ser (NM_130834.3); short protein forms F193S, F33S, F211S, F175S, F157S, F69S.
Identifiers: ClinVar variation 1934587 (VCV001934587.5), dbSNP rs774364044, ClinGen allele CA355788209.